The following is an entry in ClinVar:

NM_024529.5(CDC73):c.1069T>C (p.Ser357Pro)

Gene: CDC73 (cell division cycle 73; plus strand). Cytogenetic location: 1q31.2.
Variant type: single nucleotide variant.
Coding change: c.1069T>C on transcript NM_024529.5 (MANE Select); coding-DNA position 1069, T replaced by C.
Protein change: p.Ser357Pro; replaces serine 357 with proline.
Molecular consequence: missense variant.
Genome position (GRCh38, 1-based): chr1:193,212,392, T>C. VCF-style: chr1-193212392-T-C. GRCh37 (hg19) VCF-style: chr1-193181522-T-C.
Other names: short protein forms S357P.
Identifiers: ClinVar variation 2768899 (VCV002768899.4), dbSNP rs2527456648, ClinGen allele CA344077512.

ClinVar aggregate classification (germline): Uncertain significance. Review status: criteria provided, multiple submitters, no conflicts (2 of 4 stars). 2 submissions from 2 submitters: Uncertain significance (2). Last evaluated 2025-03-08.

Conditions:
Hereditary cancer-predisposing syndrome. Also called: Hereditary neoplastic syndrome; Hereditary Cancer Syndrome; Neoplastic Syndromes, Hereditary; Tumor predisposition. Identifiers: Orphanet 140162, MedGen C0027672, MeSH D009386, MONDO:0015356.
Parathyroid carcinoma (PRTC). Also called: Parathyroid gland carcinoma; CDC73-Related Parathyroid Carcinoma. Identifiers: Orphanet 143, MedGen C0687150, MONDO:0012004, OMIM 608266, HP:0006780.

Allele frequency attached by ClinVar (database versions not stated): gnomAD exomes below 0.00001.
gnomAD v4.1: 1 of 1,587,480 alleles (0.000063%); highest among the groups gnomAD compares: East Asian, 0.0022%; no homozygotes.

Submissions (2):

Ambry Genetics
Classification: Uncertain significance for Hereditary cancer-predisposing syndrome. Last evaluated: 2025-03-08. Review status: criteria provided, single submitter. Criteria: Ambry Variant Classification Scheme 2023. Collection method: clinical testing. Allele origin: germline.
Comment: The p.S357P variant (also known as c.1069T>C), located in coding exon 13 of the CDC73 gene, results from a T to C substitution at nucleotide position 1069. The serine at codon 357 is replaced by proline, an amino acid with similar properties. This amino acid position is conserved. In addition, the in silico prediction for this alteration is inconclusive. Based on the available evidence, the clinical significance of this variant remains unclear.

Labcorp Genetics (formerly Invitae), Labcorp
Classification: Uncertain significance for Parathyroid carcinoma. Last evaluated: 2023-10-16. Review status: criteria provided, single submitter. Criteria: Invitae Variant Classification Sherloc (09022015). Collection method: clinical testing. Allele origin: germline.
Comment: This sequence change replaces serine, which is neutral and polar, with proline, which is neutral and non-polar, at codon 357 of the CDC73 protein (p.Ser357Pro). This variant is not present in population databases (gnomAD no frequency). This variant has not been reported in the literature in individuals affected with CDC73-related conditions. An algorithm developed to predict the effect of missense changes on protein structure and function (PolyPhen-2) suggests that this variant is likely to be disruptive. In summary, the available evidence is currently insufficient to determine the role of this variant in disease. Therefore, it has been classified as a Variant of Uncertain Significance.